The following is an entry in ClinVar:

NM_021267.5(CERS1):c.797C>T (p.Ala266Val)

Genes: CERS1 (ceramide synthase 1; minus strand), GDF1 (growth differentiation factor 1; minus strand). Cytogenetic location: 19p13.11.
Variant type: single nucleotide variant.
Coding change: c.797C>T on transcript NM_021267.5 (MANE Select); coding-DNA position 797, C replaced by T.
Protein change: p.Ala266Val; replaces alanine 266 with valine.
Molecular consequence: missense variant. On other transcripts: 5 prime UTR variant (1), intron variant (1).
Genome position (GRCh38, 1-based): chr19:18,879,344, G>A on the plus strand (C>T on the coding strand, the complement: CERS1 is on the minus strand). VCF-style: chr19-18879344-G-A. GRCh37 (hg19) VCF-style: chr19-18990153-G-A.
Other names: c.503C>T, p.Ala168Val (NM_001290265.2, NM_001387442.1, NM_001387443.1 and 2 more transcripts); c.797C>T, p.Ala266Val (NM_001387439.1, NM_001387440.1, NM_198207.3); c.752C>T, p.Ala251Val (NM_001387441.1); c.-526C>T (NM_001492.6); c.-313+4743C>T (NM_001387438.1); c.797C>T (NM_021267.3); short protein forms A251V, A266V, A168V.
Identifiers: ClinVar variation 1416704 (VCV001416704.5), dbSNP rs1245703626, ClinGen allele CA404865590.

ClinVar aggregate classification (germline): Uncertain significance. Review status: criteria provided, multiple submitters, no conflicts (2 of 4 stars). 2 submissions from 2 submitters: Uncertain significance (2). Last evaluated 2024-11-10.

Conditions:
Progressive myoclonic epilepsy type 8. Identifiers: Orphanet 424027, MedGen C5190825, MONDO:0014545, OMIM 616230.

Allele frequency attached by ClinVar (database versions not stated): TOPMed 0.00002; gnomAD 0.00004.
gnomAD v4.1: 11 of 1,600,046 alleles (0.00069%); highest among the groups gnomAD compares: African/African-American, 0.011%; no homozygotes.

Submissions (2):

Ambry Genetics
Classification: Uncertain significance. Last evaluated: 2024-11-10. Review status: criteria provided, single submitter. Criteria: Ambry Variant Classification Scheme 2023. Collection method: clinical testing. Allele origin: germline.

Labcorp Genetics (formerly Invitae), Labcorp
Classification: Uncertain significance for Progressive myoclonic epilepsy type 8. Last evaluated: 2021-11-17. Review status: criteria provided, single submitter. Criteria: Invitae Variant Classification Sherloc (09022015). Collection method: clinical testing. Allele origin: germline.
Comment: In summary, the available evidence is currently insufficient to determine the role of this variant in disease. Therefore, it has been classified as a Variant of Uncertain Significance. Algorithms developed to predict the effect of missense changes on protein structure and function are either unavailable or do not agree on the potential impact of this missense change (SIFT: "Deleterious"; PolyPhen-2: "Benign"; Align-GVGD: "Class C0"). This variant has not been reported in the literature in individuals affected with CERS1-related conditions. This variant is not present in population databases (gnomAD no frequency). This sequence change replaces alanine, which is neutral and non-polar, with valine, which is neutral and non-polar, at codon 266 of the CERS1 protein (p.Ala266Val).